The following is an entry in ClinVar:

NM_005121.3(MED13):c.3262T>G (p.Cys1088Gly)

Gene: MED13 (mediator complex subunit 13; minus strand). Cytogenetic location: 17q23.2.
Variant type: single nucleotide variant.
Coding change: c.3262T>G on transcript NM_005121.3 (MANE Select); coding-DNA position 3262, T replaced by G.
Protein change: p.Cys1088Gly; replaces cysteine 1088 with glycine.
Molecular consequence: missense variant.
Genome position (GRCh38, 1-based): chr17:61,982,741, A>C on the plus strand (T>G on the coding strand, the complement: MED13 is on the minus strand). VCF-style: chr17-61982741-A-C. GRCh37 (hg19) VCF-style: chr17-60060102-A-C.
Other names: short protein forms C1088G.
Identifiers: ClinVar variation 3394557 (VCV003394557.2).
Genomic context (GRCh38, chr17:61,982,741, plus strand): 5'-CAACATCGGCACCCTTGATGTTCATGTTGCAAACACAGATGCAACAACTATCAAAGTTAC[A>C]GTCTTTAAACAAATTCATAACTGATTCTGAAAGGATGAGGTTTACATAAAGACTGTGTGC-3'
Protein context (NP_005112.2, residues 1078-1098): SESVMNLFKD[Cys1088Gly]NFDSCCICVC

ClinVar aggregate classification (germline): Uncertain significance (1 of 4 stars; one submission).

Conditions:
Inborn genetic diseases. Identifiers: MedGen C0950123, MeSH D030342.

Submission:

Ambry Genetics
Classification: Uncertain significance for Inborn genetic diseases. Last evaluated: 2024-12-19. Review status: criteria provided, single submitter. Criteria: Ambry Variant Classification Scheme 2023. Collection method: clinical testing. Allele origin: germline.
Comment: The c.3262T>G (p.C1088G) alteration is located in exon 16 (coding exon 16) of the MED13 gene. This alteration results from a T to G substitution at nucleotide position 3262, causing the cysteine (C) at amino acid position 1088 to be replaced by a glycine (G). This variant was not reported in population-based cohorts in the Genome Aggregation Database (gnomAD). This amino acid position is highly conserved in available vertebrate species. This alteration is predicted to be deleterious by in silico analysis. Based on insufficient or conflicting evidence, the clinical significance of this alteration remains unclear.